The following is an entry in ClinVar:

NM_172364.5(CACNA2D4):c.3038C>G (p.Thr1013Arg)

Gene: CACNA2D4 (calcium voltage-gated channel auxiliary subunit alpha2delta 4; minus strand). Cytogenetic location: 12p13.33.
Variant type: single nucleotide variant.
Coding change: c.3038C>G on transcript NM_172364.5 (MANE Select); coding-DNA position 3038, C replaced by G.
Protein change: p.Thr1013Arg; replaces threonine 1013 with arginine.
Molecular consequence: missense variant.
Genome position (GRCh38, 1-based): chr12:1,797,493, G>C on the plus strand (C>G on the coding strand, the complement: CACNA2D4 is on the minus strand). VCF-style: chr12-1797493-G-C. GRCh37 (hg19) VCF-style: chr12-1906659-G-C.
Other names: short protein forms T1013R.
Identifiers: ClinVar variation 1001588 (VCV001001588.9), dbSNP rs757844766, ClinGen allele CA6386082.

ClinVar aggregate classification (germline): Uncertain significance. Review status: criteria provided, multiple submitters, no conflicts (2 of 4 stars). 2 submissions from 2 submitters: Uncertain significance (2). Last evaluated 2025-03-17.

gnomAD v4.1: 11 of 1,584,802 alleles (0.00069%); highest among the groups gnomAD compares: East Asian, 0.016%; no homozygotes.

Submissions (2):

Labcorp Genetics (formerly Invitae), Labcorp
Classification: Uncertain significance. Last evaluated: 2025-03-17. Review status: criteria provided, single submitter. Criteria: Invitae Variant Classification Sherloc (09022015). Collection method: clinical testing. Allele origin: germline.
Comment: This sequence change replaces threonine, which is neutral and polar, with arginine, which is basic and polar, at codon 1013 of the CACNA2D4 protein (p.Thr1013Arg). This variant is present in population databases (rs757844766, gnomAD 0.01%). This variant has not been reported in the literature in individuals affected with CACNA2D4-related conditions. ClinVar contains an entry for this variant (Variation ID: 1001588). An algorithm developed to predict the effect of missense changes on protein structure and function (PolyPhen-2) suggests that this variant is likely to be tolerated. In summary, the available evidence is currently insufficient to determine the role of this variant in disease. Therefore, it has been classified as a Variant of Uncertain Significance.

Blueprint Genetics
Classification: Uncertain significance. Last evaluated: 2021-02-08. Review status: criteria provided, single submitter. Criteria: ACMG Guidelines, 2015. Collection method: clinical testing. Allele origin: germline.